The following is an entry in ClinVar:

ClinVar aggregate classification (germline): Benign/Likely benign. Review status: criteria provided, multiple submitters, no conflicts (2 of 4 stars). 3 submissions from 3 submitters: Benign (1); Likely benign (2). Last evaluated 2025-11-17.

Allele frequency attached by ClinVar (database versions not stated): gnomAD exomes 0.00014 and 0.00037; ExAC 0.00044; 1000 Genomes Project 0.00140; gnomAD 0.00155 and 0.00163; ESP Exome Variant Server 0.00161; 1000 Genomes Project 30x 0.00172; TOPMed 0.00189.
gnomAD v4.1: 450 of 1,614,156 alleles (0.028%); highest among the groups gnomAD compares: African/African-American, 0.53%; 3 homozygotes.

Submissions (3):

Labcorp Genetics (formerly Invitae), Labcorp
Classification: Benign. Last evaluated: 2025-11-17. Review status: criteria provided, single submitter. Criteria: Invitae Variant Classification Sherloc (09022015). Collection method: clinical testing. Allele origin: germline.

CeGaT Center for Human Genetics Tuebingen
Classification: Likely benign. Last evaluated: 2025-02-01. Review status: criteria provided, single submitter. Criteria: CeGaT Center For Human Genetics Tuebingen Variant Classification Criteria Version 2. Collection method: clinical testing. Allele origin: germline. Affected: yes. Observed: 1 variant allele.
Comment: LONP1: BP4, BP7

Blueprint Genetics
Classification: Likely benign. Last evaluated: 2024-09-02. Review status: criteria provided, single submitter. Criteria: ACMG Guidelines, 2015. Collection method: clinical testing. Allele origin: germline.

NM_004793.4(LONP1):c.2757C>T (p.Asp919=)

Gene: LONP1 (lon peptidase 1, mitochondrial; minus strand). Cytogenetic location: 19p13.3.
Variant type: single nucleotide variant.
Coding change: c.2757C>T on transcript NM_004793.4 (MANE Select); coding-DNA position 2757, C replaced by T.
Protein change: p.Asp919=; no amino-acid change (aspartic acid 919 retained).
Molecular consequence: synonymous variant. On other transcripts: non-coding transcript variant (1).
Genome position (GRCh38, 1-based): chr19:5,692,155, G>A on the plus strand (C>T on the coding strand, the complement: LONP1 is on the minus strand). VCF-style: chr19-5692155-G-A. GRCh37 (hg19) VCF-style: chr19-5692166-G-A.
Other names: c.2565C>T, p.Asp855= (NM_001276479.2); c.2169C>T, p.Asp723= (NM_001276480.1).
Identifiers: ClinVar variation 1649296 (VCV001649296.22), dbSNP rs144206526, ClinGen allele CA9113966.